The following is an entry in ClinVar:

NM_000179.3(MSH6):c.706C>T (p.Gln236Ter)

Gene: MSH6 (mutS homolog 6; plus strand). Cytogenetic location: 2p16.3.
Variant type: single nucleotide variant.
Coding change: c.706C>T on transcript NM_000179.3 (MANE Select); coding-DNA position 706, C replaced by T.
Protein change: p.Gln236Ter; replaces glutamine 236 with a stop codon.
Molecular consequence: nonsense. On other transcripts: 5 prime UTR variant (2).
Genome position (GRCh38, 1-based): chr2:47,798,689, C>T. VCF-style: chr2-47798689-C-T. GRCh37 (hg19) VCF-style: chr2-48025828-C-T.
Other names: c.316C>T, p.Gln106Ter (NM_001281492.2); c.-201C>T (NM_001281493.2, NM_001281494.2); short protein forms Q236*, Q106*.
Identifiers: ClinVar variation 89557 (VCV000089557.4), dbSNP rs63750996, ClinGen allele CA016297.

ClinVar aggregate classification (germline): Pathogenic. Review status: reviewed by expert panel (3 of 4 stars). 2 submissions from 2 submitters: Pathogenic (1). 1 of the submissions does not count toward it. Last evaluated 2013-09-05.

Conditions:
Lynch syndrome. Identifiers: Orphanet 144, MedGen C4552100, MONDO:0005835. Disease mechanism: loss of function.
Hereditary cancer-predisposing syndrome. Also called: Tumor predisposition; Hereditary Cancer Syndrome; Hereditary neoplastic syndrome; Neoplastic Syndromes, Hereditary. Identifiers: Orphanet 140162, MedGen C0027672, MeSH D009386, MONDO:0015356.

Submissions (2):

International Society for Gastrointestinal Hereditary Tumours (InSiGHT)
Classification: Pathogenic for Lynch Syndrome. Last evaluated: 2013-09-05. Review status: reviewed by expert panel. Criteria: Guidelines v1.9. Collection method: research. Allele origin: germline.
Comment: Coding sequence variation resulting in a stop codon

Classified with v1.9 guidelines

Ambry Genetics
Classification: Pathogenic for Hereditary cancer-predisposing syndrome. Last evaluated: 2017-11-21. Review status: criteria provided, single submitter. Criteria: Ambry Variant Classification Scheme 2023. Collection method: clinical testing. Allele origin: germline. Not counted in ClinVar's aggregate classification.
Comment: The p.Q236* pathogenic mutation (also known as c.706C>T), located in coding exon 4 of the MSH6 gene, results from a C to T substitution at nucleotide position 706. This changes the amino acid from a glutamine to a stop codon within coding exon 4. This mutation was identified once in a cohort of 91 Spanish HNPCC families. This alteration is expected to result in loss of function by premature protein truncation or nonsense-mediated mRNA decay. As such, this alteration is interpreted as a disease-causing mutation.

Literature cited by the submitters: PubMed 16270383 (cited by Ambry Genetics).